The following is an entry in ClinVar:

ClinVar aggregate classification (germline): Uncertain significance. Review status: criteria provided, multiple submitters, no conflicts (2 of 4 stars). 2 submissions from 2 submitters: Uncertain significance (2). Last evaluated 2025-05-29.

Conditions:
Inborn genetic diseases. Identifiers: MedGen C0950123, MeSH D030342.

Allele frequency attached by ClinVar (database versions not stated): ExAC 0.00001; gnomAD 0.00001; gnomAD exomes 0.00001.
gnomAD v4.1: 15 of 1,613,976 alleles (0.00093%); highest among the groups gnomAD compares: African/African-American, 0.0013%; no homozygotes.

Submissions (2):

Ambry Genetics
Classification: Uncertain significance for Inborn genetic diseases. Last evaluated: 2025-05-29. Review status: criteria provided, single submitter. Criteria: Ambry Variant Classification Scheme 2023. Collection method: clinical testing. Allele origin: germline.

Labcorp Genetics (formerly Invitae), Labcorp
Classification: Uncertain significance. Last evaluated: 2024-01-28. Review status: criteria provided, single submitter. Criteria: Invitae Variant Classification Sherloc (09022015). Collection method: clinical testing. Allele origin: germline.
Comment: This sequence change replaces isoleucine, which is neutral and non-polar, with serine, which is neutral and polar, at codon 1522 of the DIP2C protein (p.Ile1522Ser). This variant is present in population databases (rs764302365, gnomAD 0.0009%). This variant has not been reported in the literature in individuals affected with DIP2C-related conditions. An algorithm developed to predict the effect of missense changes on protein structure and function (PolyPhen-2) suggests that this variant is likely to be tolerated. In summary, the available evidence is currently insufficient to determine the role of this variant in disease. Therefore, it has been classified as a Variant of Uncertain Significance.

NM_014974.3(DIP2C):c.4565T>G (p.Ile1522Ser)

Gene: DIP2C (DIP2 acetate--CoA ligase C (putative); minus strand). Cytogenetic location: 10p15.3.
Variant type: single nucleotide variant.
Coding change: c.4565T>G on transcript NM_014974.3 (MANE Select); coding-DNA position 4565, T replaced by G.
Protein change: p.Ile1522Ser; replaces isoleucine 1522 with serine.
Molecular consequence: missense variant.
Genome position (GRCh38, 1-based): chr10:277,431, A>C on the plus strand (T>G on the coding strand, the complement: DIP2C is on the minus strand). VCF-style: chr10-277431-A-C. GRCh37 (hg19) VCF-style: chr10-323371-A-C.
Other names: c.4565T>G (NM_014974.2); short protein forms I1522S.
Identifiers: ClinVar variation 3010576 (VCV003010576.4), dbSNP rs764302365, ClinGen allele CA5379385.
Genomic context (GRCh38, chr10:277,431, plus strand): 5'-AACCCGTCTCGCAGGTGCATGCGCTGCTTCTCCCCACGGGAGTTGATGGGGATGACGCCG[A>C]TGTCCACCACGACCACCACTCCGACGATCAGGTAGTGCTCCTCCAGGACCACGTTGGTCA-3'
Protein context (NP_055789.1, residues 1512-1532): LIVGVVVVVD[Ile1522Ser]GVIPINSRGE